The following is an entry in ClinVar:

ClinVar aggregate classification (germline): Uncertain significance. Review status: criteria provided, multiple submitters, no conflicts (2 of 4 stars). 2 submissions from 2 submitters: Uncertain significance (2). Last evaluated 2025-07-22.

Conditions:
Pheochromocytoma/paraganglioma syndrome 4. Also called: SDHB-Related Hereditary Paraganglioma-Pheochromocytoma Syndrome (Paragangliomas 4); SDHB-Related Hereditary Paraganglioma-Pheochromocytoma Syndrome; CAROTID BODY TUMORS AND MULTIPLE EXTRAADRENAL PHEOCHROMOCYTOMAS; PARAGANGLIOMA, FAMILIAL MALIGNANT; PARAGANGLIOMAS, HEREDITARY EXTRAADRENAL; PHEOCHROMOCYTOMA, FAMILIAL EXTRAADRENAL. Identifiers: Orphanet 29072, MedGen C1861848, MONDO:0007273, OMIM 115310.
Pheochromocytoma. Also called: MAX-Related Hereditary Paraganglioma-Pheochromocytoma Syndrome. Identifiers: Orphanet 29072, MedGen C0031511, MONDO:0008233, OMIM 171300, HP:0002666.
Gastrointestinal stromal tumor. Also called: Gastrointestinal stromal tumor, somatic; Gastrointestinal stroma tumor. Identifiers: Orphanet 44890, MedGen C0238198, MeSH D046152, MONDO:0011719, OMIM 606764, HP:0100723.
Hereditary cancer-predisposing syndrome. Also called: Neoplastic Syndromes, Hereditary; Tumor predisposition; Hereditary Cancer Syndrome; Hereditary neoplastic syndrome. Identifiers: Orphanet 140162, MedGen C0027672, MeSH D009386, MONDO:0015356.

Allele frequency attached by ClinVar (database versions not stated): gnomAD exomes below 0.00001; ExAC 0.00001.
gnomAD v4.1: 5 of 1,604,950 alleles (0.00031%); highest among the groups gnomAD compares: Non-Finnish European, 0.00043%; no homozygotes.

Submissions (2):

Ambry Genetics
Classification: Uncertain significance for Hereditary cancer-predisposing syndrome. Last evaluated: 2025-07-22. Review status: criteria provided, single submitter. Criteria: Ambry Variant Classification Scheme 2023. Collection method: clinical testing. Allele origin: germline.
Comment: The c.642+5G>A intronic variant results from a G to A substitution 5 nucleotides after coding exon 6 in the SDHB gene. This nucleotide position is highly conserved in available vertebrate species. In silico splice site analysis predicts that this alteration will not have any significant effect on splicing; however, direct evidence is insufficient at this time (Ambry internal data). Since supporting evidence is limited at this time, the clinical significance of this alteration remains unclear.

Labcorp Genetics (formerly Invitae), Labcorp
Classification: Uncertain significance for Gastrointestinal stromal tumor; Pheochromocytoma/paraganglioma syndrome 4; Pheochromocytoma. Last evaluated: 2023-11-21. Review status: criteria provided, single submitter. Criteria: Invitae Variant Classification Sherloc (09022015). Collection method: clinical testing. Allele origin: germline.
Comment: This sequence change falls in intron 6 of the SDHB gene. It does not directly change the encoded amino acid sequence of the SDHB protein. It affects a nucleotide within the consensus splice site. This variant is present in population databases (rs755486893, gnomAD 0.0009%). This variant has not been reported in the literature in individuals affected with SDHB-related conditions. ClinVar contains an entry for this variant (Variation ID: 653262). Variants that disrupt the consensus splice site are a relatively common cause of aberrant splicing (PMID: 17576681, 9536098). Studies have shown that this variant is associated with inconclusive levels of altered splicing (Invitae). In summary, the available evidence is currently insufficient to determine the role of this variant in disease. Therefore, it has been classified as a Variant of Uncertain Significance.

Literature cited by the submitters: PubMed 17576681 (cited by Labcorp Genetics (formerly Invitae), Labcorp); PubMed 9536098 (cited by Labcorp Genetics (formerly Invitae), Labcorp).

NM_003000.3(SDHB):c.642+5G>A

Gene: SDHB (succinate dehydrogenase complex iron sulfur subunit B; minus strand). Cytogenetic location: 1p36.13.
Variant type: single nucleotide variant.
Coding change: c.642+5G>A on transcript NM_003000.3 (MANE Select); 5 bases into the intron after coding-DNA position 642, G replaced by A.
Molecular consequence: intron variant.
Genome position (GRCh38, 1-based): chr1:17,023,968, C>T on the plus strand (G>A on the coding strand, the complement: SDHB is on the minus strand). VCF-style: chr1-17023968-C-T. GRCh37 (hg19) VCF-style: chr1-17350463-C-T.
Identifiers: ClinVar variation 653262 (VCV000653262.10), dbSNP rs755486893, ClinGen allele CA089691.